The following is an entry in ClinVar:

ClinVar aggregate classification (germline): Uncertain significance. Review status: criteria provided, multiple submitters, no conflicts (2 of 4 stars). 2 submissions from 2 submitters: Uncertain significance (2). Last evaluated 2026-07-29.

Conditions:
PKD1-related disorder. Also called: PKD1-related condition.
Polycystic kidney disease, adult type (PKD1). Also called: Polycystic Kidney Disease 1, Autosomal Dominant; Polycystic kidney disease 1; Polycystic kidney disease 1, severe; Polycystic Kidney, Autosomal Dominant; POLYCYSTIC KIDNEY DISEASE, ADULT, TYPE I; POLYCYSTIC KIDNEY DISEASE 1 WITH OR WITHOUT POLYCYSTIC LIVER DISEASE. Identifiers: MedGen C3149841, MONDO:0008263, OMIM 173900.

gnomAD v4.1: 63 of 1,611,512 alleles (0.0039%); highest among the groups gnomAD compares: African/African-American, 0.008%; 1 homozygote.

Submissions (2):

PreventionGenetics, part of Exact Sciences
Classification: Uncertain significance for PKD1-related condition. Last evaluated: 2026-07-29. Review status: criteria provided, single submitter. Criteria: ACMG Guidelines, 2015. Collection method: clinical testing. Allele origin: germline.
Comment: The PKD1 c.4628C>T variant is predicted to result in the amino acid substitution p.Thr1543Met. To our knowledge, this variant has not been reported in the literature. This variant is reported in 0.020% of alleles in individuals of European (Finnish) descent in gnomAD. At this time, the clinical significance of this variant is uncertain due to the absence of conclusive functional and genetic evidence.

Fulgent Genetics
Classification: Uncertain significance for Polycystic kidney disease, adult type. Last evaluated: 2024-02-17. Review status: criteria provided, single submitter. Criteria: ACMG Guidelines, 2015. Collection method: clinical testing. Allele origin: germline.

NM_001009944.3(PKD1):c.4628C>T (p.Thr1543Met)

Gene: PKD1 (polycystin 1, transient receptor potential channel interacting; minus strand). Cytogenetic location: 16p13.3.
Variant type: single nucleotide variant.
Coding change: c.4628C>T on transcript NM_001009944.3 (MANE Select); coding-DNA position 4628, C replaced by T.
Protein change: p.Thr1543Met; replaces threonine 1543 with methionine.
Molecular consequence: missense variant.
Genome position (GRCh38, 1-based): chr16:2,110,539, G>A on the plus strand (C>T on the coding strand, the complement: PKD1 is on the minus strand). VCF-style: chr16-2110539-G-A. GRCh37 (hg19) VCF-style: chr16-2160540-G-A.
Other names: c.4628C>T, p.Thr1543Met (NM_000296.4); short protein forms T1543M.
Identifiers: ClinVar variation 3579503 (VCV003579503.2).